The following is an entry in ClinVar:

ClinVar aggregate classification (germline): Uncertain significance (1 of 4 stars; one submission).

Conditions:
Peripheral neuropathy-myopathy-hoarseness-hearing loss syndrome. Identifiers: Orphanet 397744, MedGen C3280556, MONDO:0013711, OMIM 614369.

Submission:

Institute of Human Genetics, University of Leipzig Medical Center
Classification: Uncertain significance for Peripheral neuropathy-myopathy-hoarseness-hearing loss syndrome. Last evaluated: 2022-04-08. Review status: criteria provided, single submitter. Criteria: ACMG Guidelines, 2015. Collection method: clinical testing. Allele origin: unknown. Affected: yes.
Comment: _x000D_ Criteria applied: PM2_SUP, PP3

NM_001145809.2(MYH14):c.3457G>A (p.Ala1153Thr)

Gene: MYH14 (myosin heavy chain 14; plus strand). Cytogenetic location: 19q13.33.
Variant type: single nucleotide variant.
Coding change: c.3457G>A on transcript NM_001145809.2 (MANE Select); coding-DNA position 3457, G replaced by A.
Protein change: p.Ala1153Thr; replaces alanine 1153 with threonine.
Molecular consequence: missense variant.
Genome position (GRCh38, 1-based): chr19:50,272,721, G>A. VCF-style: chr19-50272721-G-A. GRCh37 (hg19) VCF-style: chr19-50775978-G-A.
Other names: c.3358G>A, p.Ala1120Thr (NM_001077186.2); c.3334G>A, p.Ala1112Thr (NM_024729.4); short protein forms A1112T, A1120T, A1153T.
Identifiers: ClinVar variation 1679157 (VCV001679157.1), dbSNP rs2123394094, ClinGen allele CA406953183.